The following is an entry in ClinVar:

ClinVar aggregate classification (germline): Likely benign. Review status: criteria provided, multiple submitters, no conflicts (2 of 4 stars). 2 submissions from 2 submitters: Likely benign (2). Last evaluated 2024-10-04.

Conditions:
Familial cancer of breast. Also called: Hereditary breast cancer; BREAST CANCER, FAMILIAL; hereditary breast carcinoma. Identifiers: Orphanet 227535, MedGen C0346153, MONDO:0016419, OMIM 114480. Disease mechanism: loss of function.

Submissions (2):

Myriad Genetics, Inc.
Classification: Likely benign for Familial cancer of breast. Last evaluated: 2024-10-04. Review status: criteria provided, single submitter. Criteria: Myriad Autosomal Dominant, Autosomal Recessive and X-Linked Classification Criteria (2023). Collection method: clinical testing. Allele origin: unknown.
Comment: This variant is considered likely benign. This variant is intronic and is not expected to impact mRNA splicing.

Labcorp Genetics (formerly Invitae), Labcorp
Classification: Likely benign for Familial cancer of breast. Last evaluated: 2021-10-18. Review status: criteria provided, single submitter. Criteria: Invitae Variant Classification Sherloc (09022015). Collection method: clinical testing. Allele origin: germline.

NM_007194.4(CHEK2):c.1096-7A>C

Gene: CHEK2 (checkpoint kinase 2; minus strand). Cytogenetic location: 22q12.1.
Variant type: single nucleotide variant.
Coding change: c.1096-7A>C on transcript NM_007194.4 (MANE Select); 7 bases into the intron before coding-DNA position 1096, A replaced by C.
Molecular consequence: intron variant.
Genome position (GRCh38, 1-based): chr22:28,695,880, T>G on the plus strand (A>C on the coding strand, the complement: CHEK2 is on the minus strand). VCF-style: chr22-28695880-T-G. GRCh37 (hg19) VCF-style: chr22-29091868-T-G.
Other names: c.433-7A>C (NM_001437942.1, NM_001257387.3); c.895-7A>C (NM_001349956.3); c.1009-7A>C (NM_145862.3); c.1102-7A>C (NM_001438295.1); c.1189-7A>C (NM_001438293.1); c.1138-7A>C (NM_001438294.1); c.1225-7A>C (NM_001005735.3).
Identifiers: ClinVar variation 1661905 (VCV001661905.10), dbSNP rs2052567957, ClinGen allele CA2573157991.